The following is an entry in ClinVar:

ClinVar aggregate classification (germline): Uncertain significance (1 of 4 stars; one submission).

Submission:

Labcorp Genetics (formerly Invitae), Labcorp
Classification: Uncertain significance. Last evaluated: 2025-04-11. Review status: criteria provided, single submitter. Criteria: Invitae Variant Classification Sherloc (09022015). Collection method: clinical testing. Allele origin: germline.
Comment: This sequence change replaces glycine, which is neutral and non-polar, with glutamic acid, which is acidic and polar, at codon 192 of the FAM111A protein (p.Gly192Glu). This variant is not present in population databases (gnomAD no frequency). This variant has not been reported in the literature in individuals affected with FAM111A-related conditions. An algorithm developed to predict the effect of missense changes on protein structure and function outputs the following: PolyPhen-2: "Possibly Damaging". The glutamic acid amino acid residue is found in multiple mammalian species, which suggests that this missense change does not adversely affect protein function. In summary, the available evidence is currently insufficient to determine the role of this variant in disease. Therefore, it has been classified as a Variant of Uncertain Significance.

NM_001312909.2(FAM111A):c.575G>A (p.Gly192Glu)

Gene: FAM111A (FAM111 trypsin like peptidase A; plus strand). Cytogenetic location: 11q12.1.
Variant type: single nucleotide variant.
Coding change: c.575G>A on transcript NM_001312909.2 (MANE Select); coding-DNA position 575, G replaced by A.
Protein change: p.Gly192Glu; replaces glycine 192 with glutamic acid.
Molecular consequence: missense variant.
Genome position (GRCh38, 1-based): chr11:59,152,243, G>A. VCF-style: chr11-59152243-G-A. GRCh37 (hg19) VCF-style: chr11-58919716-G-A.
Other names: c.575G>A, p.Gly192Glu (NM_001142519.3, NM_001142520.3, NM_001142521.3 and 29 more transcripts); short protein forms G192E.
Identifiers: ClinVar variation 4717334 (VCV004717334.1).